The following is an entry in ClinVar:

NM_201384.3(PLEC):c.11910G>A (p.Gln3970=)

Gene: PLEC (plectin; minus strand). Cytogenetic location: 8q24.3.
Variant type: single nucleotide variant.
Coding change: c.11910G>A on transcript NM_201384.3 (MANE Select); coding-DNA position 11910, G replaced by A.
Protein change: p.Gln3970=; no amino-acid change (glutamine 3970 retained).
Molecular consequence: synonymous variant.
Genome position (GRCh38, 1-based): chr8:143,917,911, C>T on the plus strand (G>A on the coding strand, the complement: PLEC is on the minus strand). VCF-style: chr8-143917911-C-T. GRCh37 (hg19) VCF-style: chr8-144992079-C-T.
Other names: c.11991G>A, p.Gln3997= (NM_000445.5); c.11868G>A, p.Gln3956= (NM_201378.4); c.11844G>A, p.Gln3948= (NM_201379.3); c.12321G>A, p.Gln4107= (NM_201380.4); c.11814G>A, p.Gln3938= (NM_201381.3); c.11910G>A, p.Gln3970= (NM_201382.4); c.11922G>A, p.Gln3974= (NM_201383.3).
Identifiers: ClinVar variation 282317 (VCV000282317.16), dbSNP rs782710557, ClinGen allele CA4924220.

ClinVar aggregate classification (germline): Conflicting classifications of pathogenicity. Review status: criteria provided, conflicting classifications (1 of 4 stars). 3 submissions from 3 submitters: Uncertain significance (1); Likely benign (2). Last evaluated 2026-09-15.

Conditions:
PLEC-related disorder. Also called: PLEC-related disorders; PLEC-related condition.
Epidermolysis bullosa simplex with nail dystrophy (EBS5D). Identifiers: MedGen C4225309, MONDO:0014661, OMIM 616487.
Autosomal recessive limb-girdle muscular dystrophy type 2Q (LGMDR17). Also called: MUSCULAR DYSTROPHY, LIMB-GIRDLE, AUTOSOMAL RECESSIVE 17. Identifiers: Orphanet 254361, MedGen C3150989, MONDO:0013390, OMIM 613723.
Epidermolysis bullosa simplex 5C, with pyloric atresia (EBS5C). Also called: PLEC-Related Epidermolysis Bullosa with Pyloric Atresia; Epidermolysis bullosa simplex with pyloric atresia; PLEC1-Related Epidermolysis Bullosa with Pyloric Atresia. Identifiers: Orphanet 158684, MedGen C2677349, MONDO:0012807, OMIM 612138.
Epidermolysis bullosa simplex 5B, with muscular dystrophy (EBS5B). Also called: EPIDERMOLYSIS BULLOSA SIMPLEX AND LIMB-GIRDLE MUSCULAR DYSTROPHY; Epidermolysis bullosa simplex with muscular dystrophy. Identifiers: Orphanet 257, MedGen C2931072, MONDO:0009181, OMIM 226670.
Epidermolysis bullosa simplex, Ogna type (EBS5A). Also called: Pidermolysis bullosa simplex 5A, Ogna type; EPIDERMOLYSIS BULLOSA SIMPLEX 5A, OGNA TYPE. Identifiers: Orphanet 79401, MedGen C0432317, MONDO:0007555, OMIM 131950.

Allele frequency attached by ClinVar (database versions not stated): ExAC 0.00001; gnomAD exomes 0.00002 and 0.00005; TOPMed 0.00006.
gnomAD v4.1: 14 of 1,613,144 alleles (0.00087%); highest among the groups gnomAD compares: Admixed American, 0.023%; no homozygotes.

Submissions (3):

PreventionGenetics, part of Exact Sciences
Classification: Likely benign for PLEC-related condition. Last evaluated: 2026-09-15. Review status: criteria provided, single submitter. Criteria: ACMG Guidelines, 2015. Collection method: clinical testing. Allele origin: germline.
Comment: This variant is classified as likely benign based on ACMG/AMP sequence variant interpretation guidelines (Richards et al. 2015 PMID: 25741868, with internal and published modifications).

Labcorp Genetics (formerly Invitae), Labcorp
Classification: Likely benign for Autosomal recessive limb-girdle muscular dystrophy type 2Q; Epidermolysis bullosa simplex, Ogna type; Epidermolysis bullosa simplex with nail dystrophy; Epidermolysis bullosa simplex 5C, with pyloric atresia; Epidermolysis bullosa simplex 5B, with muscular dystrophy. Last evaluated: 2026-01-17. Review status: criteria provided, single submitter. Criteria: Invitae Variant Classification Sherloc (09022015). Collection method: clinical testing. Allele origin: germline.

Eurofins Ntd Llc (ga)
Classification: Uncertain significance. Last evaluated: 2015-09-14. Review status: criteria provided, single submitter. Criteria: EGL Classification Definitions 2015. Collection method: clinical testing. Allele origin: germline. Observed: 1 variant allele, 1 heterozygote.